The following is an entry in ClinVar:

NM_000218.3(KCNQ1):c.1527C>G (p.His509Gln)

Gene: KCNQ1 (potassium voltage-gated channel subfamily Q member 1; plus strand). Cytogenetic location: 11p15.5.
Variant type: single nucleotide variant.
Coding change: c.1527C>G on transcript NM_000218.3 (MANE Select); coding-DNA position 1527, C replaced by G.
Protein change: p.His509Gln; replaces histidine 509 with glutamine.
Molecular consequence: missense variant.
Genome position (GRCh38, 1-based): chr11:2,768,856, C>G. VCF-style: chr11-2768856-C-G. GRCh37 (hg19) VCF-style: chr11-2790086-C-G.
Other names: c.1431C>G, p.His477Gln (NM_001406836.1); c.1257C>G, p.His419Gln (NM_001406837.1); c.987C>G, p.His329Gln (NM_001406838.1); c.1146C>G, p.His382Gln (NM_181798.2); short protein forms H329Q, H382Q, H419Q, H477Q, H509Q.
Identifiers: ClinVar variation 3386942 (VCV003386942.1).

ClinVar aggregate classification (germline): Uncertain significance (1 of 4 stars; one submission).

Conditions:
Long QT syndrome (LQTS). Identifiers: MedGen C0023976, MeSH D008133, MONDO:0002442. Disease mechanism: loss of function. Inheritance: Various modes of inheritance.

gnomAD v4.1: 1 of 1,614,020 alleles (0.000062%); highest among the groups gnomAD compares: Non-Finnish European, 0.000085%; no homozygotes.

Submission:

All of Us Research Program, National Institutes of Health
Classification: Uncertain significance for Long QT syndrome. Last evaluated: 2024-02-22. Review status: criteria provided, single submitter. Criteria: ACMG Guidelines, 2015. Collection method: clinical testing. Allele origin: germline. Inheritance: Autosomal dominant inheritance. Observed: 1 variant allele, 1 heterozygote.
Comment: This missense variant replaces histidine with glutamine at codon 509 of the KCNQ1 protein. Computational prediction is inconclusive regarding the impact of this variant on protein structure and function (internally defined REVEL score threshold 0.5 < inconclusive < 0.7, PMID: 27666373). To our knowledge, functional studies have not been reported for this variant. This variant has not been reported in individuals affected with KCNQ1-related disorders in the literature. This variant has been identified in 1/251390 chromosomes in the general population by the Genome Aggregation Database (gnomAD). The available evidence is insufficient to determine the role of this variant in disease conclusively. Therefore, this variant is classified as a Variant of Uncertain Significance.

This study involves interpretation of variants in research participants for the purpose of population health screening. Participant phenotype was not available at the time of variant classification. Additional details can be found in publication PMID: 35346344, PMCID: PMC8962531